The following is an entry in ClinVar:

ClinVar aggregate classification (germline): Uncertain significance (1 of 4 stars; one submission).

Conditions:
Perlman syndrome (PRLMNS). Identifiers: Orphanet 2849, MedGen C0796113, MONDO:0009965, OMIM 267000.

Allele frequency attached by ClinVar (database versions not stated): gnomAD exomes below 0.00001; gnomAD 0.00001; TOPMed 0.00001.
gnomAD v4.1: 6 of 1,609,404 alleles (0.00037%); highest among the groups gnomAD compares: Non-Finnish European, 0.00051%; no homozygotes.

Submission:

Labcorp Genetics (formerly Invitae), Labcorp
Classification: Uncertain significance for Perlman syndrome. Last evaluated: 2023-07-06. Review status: criteria provided, single submitter. Criteria: Invitae Variant Classification Sherloc (09022015). Collection method: clinical testing. Allele origin: germline.
Comment: This sequence change replaces glycine, which is neutral and non-polar, with serine, which is neutral and polar, at codon 864 of the DIS3L2 protein (p.Gly864Ser). ClinVar contains an entry for this variant (Variation ID: 571129). This variant has not been reported in the literature in individuals affected with DIS3L2-related conditions. This variant is not present in population databases (gnomAD no frequency). Algorithms developed to predict the effect of missense changes on protein structure and function output the following: SIFT: "Not Available"; PolyPhen-2: "Benign"; Align-GVGD: "Not Available". The serine amino acid residue is found in multiple mammalian species, which suggests that this missense change does not adversely affect protein function. In summary, the available evidence is currently insufficient to determine the role of this variant in disease. Therefore, it has been classified as a Variant of Uncertain Significance.

NM_152383.5(DIS3L2):c.2590G>A (p.Gly864Ser)

Gene: DIS3L2 (DIS3 like 3'-5' exoribonuclease 2; plus strand). Cytogenetic location: 2q37.1.
Variant type: single nucleotide variant.
Coding change: c.2590G>A on transcript NM_152383.5 (MANE Select); coding-DNA position 2590, G replaced by A.
Protein change: p.Gly864Ser; replaces glycine 864 with serine.
Molecular consequence: missense variant. On other transcripts: non-coding transcript variant (2), intron variant (1).
Genome position (GRCh38, 1-based): chr2:232,336,562, G>A. VCF-style: chr2-232336562-G-A. GRCh37 (hg19) VCF-style: chr2-233201272-G-A.
Other names: c.1582-6783G>A (NM_001257281.2); short protein forms G864S.
Identifiers: ClinVar variation 571129 (VCV000571129.8), dbSNP rs1487969643, ClinGen allele CA350979022.
Genomic context (GRCh38, chr2:232,336,562, plus strand): 5'-CTGCAGGCAGAGTCCACAGCCCTCAAGTACAGCGCCATCCTGAAGCGGCCAGGCACCCAG[G>A]GCCACCTGGGCCCTGAGAAGGAGGAGGAGGAGTCTGACGGTGAGCCCGAGGACTCAAGCA-3'
Protein context (NP_689596.4, residues 854-874): SAILKRPGTQ[Gly864Ser]HLGPEKEEEE